The following is an entry in ClinVar:

ClinVar aggregate classification (germline): Uncertain significance (1 of 4 stars; one submission).

Allele frequency attached by ClinVar (database versions not stated): gnomAD exomes 0.00001.
gnomAD v4.1: 7 of 1,613,706 alleles (0.00043%); highest among the groups gnomAD compares: Admixed American, 0.0017%; no homozygotes.

Submission:

Ambry Genetics
Classification: Uncertain significance. Last evaluated: 2025-09-19. Review status: criteria provided, single submitter. Criteria: Ambry Variant Classification Scheme 2023. Collection method: clinical testing. Allele origin: germline.
Comment: The p.T1421M variant (also known as c.4262C>T), located in coding exon 39 of the KIF1B gene, results from a C to T substitution at nucleotide position 4262. The threonine at codon 1421 is replaced by methionine, an amino acid with similar properties. This amino acid position is conserved. In addition, this alteration is predicted to be deleterious by in silico analysis. Since supporting evidence is limited at this time, the clinical significance of this alteration remains unclear.

NM_001365951.3(KIF1B):c.4400C>T (p.Thr1467Met)

Gene: KIF1B (kinesin family member 1B; plus strand). Cytogenetic location: 1p36.22.
Variant type: single nucleotide variant.
Coding change: c.4400C>T on transcript NM_001365951.3 (MANE Select); coding-DNA position 4400, C replaced by T.
Protein change: p.Thr1467Met; replaces threonine 1467 with methionine.
Molecular consequence: missense variant.
Genome position (GRCh38, 1-based): chr1:10,365,133, C>T. VCF-style: chr1-10365133-C-T. GRCh37 (hg19) VCF-style: chr1-10425191-C-T.
Other names: c.4400C>T, p.Thr1467Met (NM_001365952.1); c.4262C>T, p.Thr1421Met (NM_015074.3); short protein forms T1467M, T1421M.
Identifiers: ClinVar variation 1739179 (VCV001739179.3), dbSNP rs2521911107, ClinGen allele CA338320237.